The following is an entry in ClinVar:

NM_001278116.2(L1CAM):c.3057T>G (p.Asp1019Glu)

Gene: L1CAM (L1 cell adhesion molecule; minus strand). Cytogenetic location: Xq28.
Variant type: single nucleotide variant.
Coding change: c.3057T>G on transcript NM_001278116.2 (MANE Select); coding-DNA position 3057, T replaced by G.
Protein change: p.Asp1019Glu; replaces aspartic acid 1019 with glutamic acid.
Molecular consequence: missense variant.
Genome position (GRCh38, 1-based): chrX:153,864,694, A>C on the plus strand (T>G on the coding strand, the complement: L1CAM is on the minus strand). VCF-style: chrX-153864694-A-C. GRCh37 (hg19) VCF-style: chrX-153130149-A-C.
Other names: c.3057T>G, p.Asp1019Glu (NM_000425.5, NM_024003.3); c.3042T>G, p.Asp1014Glu (NM_001143963.2); short protein forms D1014E, D1019E.
Identifiers: ClinVar variation 695506 (VCV000695506.12), dbSNP rs200815347, ClinGen allele CA10554033.

ClinVar aggregate classification (germline): Conflicting classifications of pathogenicity. Review status: criteria provided, conflicting classifications (1 of 4 stars). 4 submissions from 4 submitters: Uncertain significance (2); Benign (1); Likely benign (1). Last evaluated 2025-10-02.

Conditions:
L1CAM-related disorder. Also called: L1CAM-related condition.
Inborn genetic diseases. Identifiers: MedGen C0950123, MeSH D030342.
Spastic paraplegia. Identifiers: MedGen C0037772, HP:0001258.

Allele frequency attached by ClinVar (database versions not stated): ExAC 0.00002; gnomAD 0.00002 and 0.00012; gnomAD exomes 0.00002 and 0.00007; TOPMed 0.00017.
gnomAD v4.1: 88 of 1,210,814 alleles (0.0073%); highest among the groups gnomAD compares: Non-Finnish European, 0.0084%; no homozygotes.

Submissions (4):

Labcorp Genetics (formerly Invitae), Labcorp
Classification: Benign for Spastic paraplegia. Last evaluated: 2025-10-02. Review status: criteria provided, single submitter. Criteria: Invitae Variant Classification Sherloc (09022015). Collection method: clinical testing. Allele origin: germline.

PreventionGenetics, part of Exact Sciences
Classification: Likely benign for L1CAM-related condition. Last evaluated: 2024-11-15. Review status: criteria provided, single submitter. Criteria: ACMG Guidelines, 2015. Collection method: clinical testing. Allele origin: germline.
Comment: This variant is classified as likely benign based on ACMG/AMP sequence variant interpretation guidelines (Richards et al. 2015 PMID: 25741868, with internal and published modifications).

Ambry Genetics
Classification: Uncertain significance for Inborn genetic diseases. Last evaluated: 2024-10-21. Review status: criteria provided, single submitter. Criteria: Ambry Variant Classification Scheme 2023. Collection method: clinical testing. Allele origin: germline.

Athena Diagnostics
Classification: Uncertain significance. Last evaluated: 2019-01-28. Review status: criteria provided, single submitter. Criteria: Athena Diagnostics Criteria. Collection method: clinical testing. Allele origin: germline.